The following is an entry in ClinVar:

ClinVar aggregate classification (germline): Pathogenic (1 of 4 stars; one submission).

Conditions:
Vici syndrome (VICIS). Identifiers: Orphanet 1493, MedGen C1855772, MONDO:0009452, OMIM 242840.

Submission:

Labcorp Genetics (formerly Invitae), Labcorp
Classification: Pathogenic for Vici syndrome. Last evaluated: 2023-10-13. Review status: criteria provided, single submitter. Criteria: Invitae Variant Classification Sherloc (09022015). Collection method: clinical testing. Allele origin: unknown.
Comment: This variant is a gross deletion of the genomic region encompassing exon(s) 2-10 of the EPG5 gene. This deletion is out-of-frame, and is expected to create a premature termination codon and result in an absent or disrupted protein product. Loss-of-function variants in EPG5 are known to be pathogenic (PMID: 23222957, 23674064). This variant has not been reported in the literature in individuals affected with EPG5-related conditions. For these reasons, this variant has been classified as Pathogenic.

Literature cited by the submitters: PubMed 23222957; PubMed 23674064.

NC_000018.9:g.(?_43519546)_(43535324_?)del

Gene: EPG5 (ectopic P-granules 5 autophagy tethering factor; minus strand). Cytogenetic location: 18q21.1.
Variant type: Deletion.
Identifiers: ClinVar variation 3242746 (VCV003242746.1).